The following is an entry in ClinVar:

NM_003072.5(SMARCA4):c.865A>G (p.Met289Val)

Gene: SMARCA4 (SWI/SNF related BAF chromatin remodeling complex subunit ATPase 4; plus strand). Cytogenetic location: 19p13.2.
Variant type: single nucleotide variant.
Coding change: c.865A>G on transcript NM_003072.5 (MANE Select); coding-DNA position 865, A replaced by G.
Protein change: p.Met289Val; replaces methionine 289 with valine.
Molecular consequence: missense variant. On other transcripts: non-coding transcript variant (1).
Genome position (GRCh38, 1-based): chr19:10,987,671, A>G. VCF-style: chr19-10987671-A-G. GRCh37 (hg19) VCF-style: chr19-11098347-A-G.
Other names: c.865A>G, p.Met289Val (NM_001128844.3, NM_001128845.2, NM_001128846.2 and 5 more transcripts); c.865A>G (NM_001128849.2); short protein forms M289V.
Identifiers: ClinVar variation 470465 (VCV000470465.18), dbSNP rs750547893, ClinGen allele CA9203614.

ClinVar aggregate classification (germline): Conflicting classifications of pathogenicity. Review status: criteria provided, conflicting classifications (1 of 4 stars). 5 submissions from 5 submitters: Uncertain significance (3); Likely benign (2). Last evaluated 2025-08-27.

Conditions:
Intellectual disability, autosomal dominant 16 (CSS4). Also called: COFFIN-SIRIS SYNDROME 4. Identifiers: Orphanet 1465, MedGen C3553249, MONDO:0013821, OMIM 614609.
Rhabdoid tumor predisposition syndrome 2 (RTPS2). Identifiers: Orphanet 231108, Orphanet 69077, MedGen C2750074, MONDO:0013224, OMIM 613325.
Otosclerosis 12. Identifiers: MedGen C5935610, MONDO:0968980, OMIM 620792.
Hereditary cancer-predisposing syndrome. Also called: Hereditary neoplastic syndrome; Neoplastic Syndromes, Hereditary; Tumor predisposition; Hereditary Cancer Syndrome. Identifiers: Orphanet 140162, MedGen C0027672, MeSH D009386, MONDO:0015356.

Allele frequency attached by ClinVar (database versions not stated): gnomAD 0.00001; gnomAD exomes 0.00001 and 0.00002; ExAC 0.00002.
gnomAD v4.1: 16 of 1,612,934 alleles (0.00099%); highest among the groups gnomAD compares: South Asian, 0.013%; 1 homozygote.

Submissions (5):

Labcorp Genetics (formerly Invitae), Labcorp
Classification: Uncertain significance for Rhabdoid tumor predisposition syndrome 2. Last evaluated: 2025-08-27. Review status: criteria provided, single submitter. Criteria: Invitae Variant Classification Sherloc (09022015). Collection method: clinical testing. Allele origin: germline.
Comment: This sequence change replaces methionine, which is neutral and non-polar, with valine, which is neutral and non-polar, at codon 289 of the SMARCA4 protein (p.Met289Val). This variant is present in population databases (rs750547893, gnomAD 0.01%). This variant has not been reported in the literature in individuals affected with SMARCA4-related conditions. ClinVar contains an entry for this variant (Variation ID: 470465). An algorithm developed to predict the effect of missense changes on protein structure and function (PolyPhen-2) suggests that this variant is likely to be tolerated. In summary, the available evidence is currently insufficient to determine the role of this variant in disease. Therefore, it has been classified as a Variant of Uncertain Significance.

Fulgent Genetics
Classification: Uncertain significance for Rhabdoid tumor predisposition syndrome 2; Intellectual disability, autosomal dominant 16; Otosclerosis 12. Last evaluated: 2024-02-16. Review status: criteria provided, single submitter. Criteria: ACMG Guidelines, 2015. Collection method: clinical testing. Allele origin: germline.

Ambry Genetics
Classification: Likely benign for Hereditary cancer-predisposing syndrome. Last evaluated: 2023-06-09. Review status: criteria provided, single submitter. Criteria: Ambry Variant Classification Scheme 2023. Collection method: clinical testing. Allele origin: germline.

Genome-Nilou Lab
Classification: Uncertain significance for Intellectual disability, autosomal dominant 16. Last evaluated: 2021-07-15. Review status: criteria provided, single submitter. Criteria: ACMG Guidelines, 2015. Collection method: clinical testing. Allele origin: germline. Affected: no.

Sema4
Classification: Likely benign for Hereditary cancer-predisposing syndrome. Last evaluated: 2021-03-12. Review status: criteria provided, single submitter. Criteria: Sema4 Curation Guidelines. Collection method: curation. Allele origin: germline.